The following is an entry in ClinVar:

NM_014727.3(KMT2B):c.6801G>T (p.Gly2267=)

Gene: KMT2B (lysine methyltransferase 2B; plus strand). Cytogenetic location: 19q13.12.
Variant type: single nucleotide variant.
Coding change: c.6801G>T on transcript NM_014727.3 (MANE Select); coding-DNA position 6801, G replaced by T.
Protein change: p.Gly2267=; no amino-acid change (glycine 2267 retained).
Molecular consequence: synonymous variant.
Genome position (GRCh38, 1-based): chr19:35,733,350, G>T. VCF-style: chr19-35733350-G-T. GRCh37 (hg19) VCF-style: chr19-36224251-G-T.
Identifiers: ClinVar variation 2649749 (VCV002649749.24), dbSNP rs1371933577, ClinGen allele CA507308161.

ClinVar aggregate classification (germline): Likely benign (1 of 4 stars; one submission).

Allele frequency attached by ClinVar (database versions not stated): gnomAD 0.00001; TOPMed 0.00001; gnomAD exomes 0.00002.
gnomAD v4.1: 23 of 1,546,656 alleles (0.0015%); highest among the groups gnomAD compares: Non-Finnish European, 0.0018%; no homozygotes.

Submission:

CeGaT Center for Human Genetics Tuebingen
Classification: Likely benign. Last evaluated: 2023-04-01. Review status: criteria provided, single submitter. Criteria: CeGaT Center For Human Genetics Tuebingen Variant Classification Criteria Version 2. Collection method: clinical testing. Allele origin: germline. Affected: yes. Observed: 1 variant allele.
Comment: KMT2B: BP4, BP7